The following is an entry in ClinVar:

ClinVar aggregate classification (germline): Uncertain significance. Review status: criteria provided, multiple submitters, no conflicts (2 of 4 stars). 3 submissions from 3 submitters: Uncertain significance (3). Last evaluated 2024-04-22.

Conditions:
Nail-patella syndrome (NPS). Also called: FONG DISEASE; ONYCHOOSTEODYSPLASIA; TURNER-KIESER SYNDROME. Identifiers: Orphanet 2614, MedGen C0027341, MONDO:0008061, OMIM 161200.
Nail-patella-like renal disease. Also called: Focal Segmental Glomerulosclerosis 10; GLOMERULAR BASEMENT MEMBRANE DISEASE, NAIL-PATELLA SYNDROME TYPE. Identifiers: Orphanet 2613, MedGen C0403548, MONDO:0009724, OMIM 256020.
LMX1B-related disorder. Also called: LMX1B-related condition.

Allele frequency attached by ClinVar (database versions not stated): gnomAD exomes below 0.00001; gnomAD 0.00001; TOPMed 0.00002.
gnomAD v4.1: 8 of 1,609,746 alleles (0.0005%); highest among the groups gnomAD compares: Non-Finnish European, 0.00059%; no homozygotes.

Submissions (3):

Fulgent Genetics
Classification: Uncertain significance for Nail-patella syndrome; Nail-patella-like renal disease. Last evaluated: 2024-04-22. Review status: criteria provided, single submitter. Criteria: ACMG Guidelines, 2015. Collection method: clinical testing. Allele origin: germline.

PreventionGenetics, part of Exact Sciences
Classification: Uncertain significance for LMX1B-related condition. Last evaluated: 2022-10-24. Review status: criteria provided, single submitter. Criteria: ACMG Guidelines, 2015. Collection method: clinical testing. Allele origin: germline.
Comment: The LMX1B c.217G>C variant is predicted to result in the amino acid substitution p.Glu73Gln. To our knowledge, this variant has not been reported in the literature. This variant is reported in 0.0027% of alleles in individuals of European (Non-Finnish) descent in gnomAD. At this time, the clinical significance of this variant is uncertain due to the absence of conclusive functional and genetic evidence.

Labcorp Genetics (formerly Invitae), Labcorp
Classification: Uncertain significance. Last evaluated: 2022-04-23. Review status: criteria provided, single submitter. Criteria: Invitae Variant Classification Sherloc (09022015). Collection method: clinical testing. Allele origin: germline.
Comment: This sequence change replaces glutamic acid, which is acidic and polar, with glutamine, which is neutral and polar, at codon 73 of the LMX1B protein (p.Glu73Gln). This variant is present in population databases (no rsID available, gnomAD 0.003%). This variant has not been reported in the literature in individuals affected with LMX1B-related conditions. Algorithms developed to predict the effect of missense changes on protein structure and function are either unavailable or do not agree on the potential impact of this missense change (SIFT: "Deleterious"; PolyPhen-2: "Possibly Damaging"; Align-GVGD: "Class C0"). In summary, the available evidence is currently insufficient to determine the role of this variant in disease. Therefore, it has been classified as a Variant of Uncertain Significance.

NM_001174147.2(LMX1B):c.217G>C (p.Glu73Gln)

Gene: LMX1B (LIM homeobox transcription factor 1 beta; plus strand). Cytogenetic location: 9q33.3.
Variant type: single nucleotide variant.
Coding change: c.217G>C on transcript NM_001174147.2 (MANE Select); coding-DNA position 217, G replaced by C.
Protein change: p.Glu73Gln; replaces glutamic acid 73 with glutamine.
Molecular consequence: missense variant.
Genome position (GRCh38, 1-based): chr9:126,615,460, G>C. VCF-style: chr9-126615460-G-C. GRCh37 (hg19) VCF-style: chr9-129377739-G-C.
Other names: c.217G>C (NM_002316.3); c.217G>C, p.Glu73Gln (NM_001174146.2, NM_002316.4); short protein forms E73Q.
Identifiers: ClinVar variation 1920345 (VCV001920345.7), dbSNP rs999732757, ClinGen allele CA199787584.